The following is an entry in ClinVar:

NM_021813.4(BACH2):c.367G>C (p.Asp123His)

Gene: BACH2 (BACH transcriptional regulator 2; minus strand). Cytogenetic location: 6q15.
Variant type: single nucleotide variant.
Coding change: c.367G>C on transcript NM_021813.4 (MANE Select); coding-DNA position 367, G replaced by C.
Protein change: p.Asp123His; replaces aspartic acid 123 with histidine.
Molecular consequence: missense variant.
Genome position (GRCh38, 1-based): chr6:89,951,739, C>G on the plus strand (G>C on the coding strand, the complement: BACH2 is on the minus strand). VCF-style: chr6-89951739-C-G. GRCh37 (hg19) VCF-style: chr6-90661458-C-G.
Other names: c.367G>C, p.Asp123His (NM_001170794.2); short protein forms D123H.
Identifiers: ClinVar variation 4746490 (VCV004746490.1).
Genomic context (GRCh38, chr6:89,951,739, plus strand): 5'-ACACAAACAGGCCATCCTCACTGTTCAGGAGCTGGGTCTGCAGGAAGCTGAAGCAGGAGT[C>G]CTCCAGGTTGTGCATGCGCAGGAACTCAGCACAGCGGATGACCTCGCGGATGTTTTCTCT-3'
Protein context (NP_068585.1, residues 113-133): AEFLRMHNLE[Asp123His]SCFSFLQTQL

ClinVar aggregate classification (germline): Uncertain significance (1 of 4 stars; one submission).

Submission:

Labcorp Genetics (formerly Invitae), Labcorp
Classification: Uncertain significance. Last evaluated: 2025-07-22. Review status: criteria provided, single submitter. Criteria: Invitae Variant Classification Sherloc (09022015). Collection method: clinical testing. Allele origin: germline.
Comment: This sequence change replaces aspartic acid, which is acidic and polar, with histidine, which is basic and polar, at codon 123 of the BACH2 protein (p.Asp123His). This variant is not present in population databases (gnomAD no frequency). This variant has not been reported in the literature in individuals affected with BACH2-related conditions. Invitae Evidence Modeling of protein sequence and biophysical properties (such as structural, functional, and spatial information, amino acid conservation, physicochemical variation, residue mobility, and thermodynamic stability) has been performed for this missense variant. However, the output from this modeling did not meet the statistical confidence thresholds required to predict the impact of this variant on BACH2 protein function. In summary, the available evidence is currently insufficient to determine the role of this variant in disease. Therefore, it has been classified as a Variant of Uncertain Significance.